The following is an entry in ClinVar:

ClinVar aggregate classification (germline): Uncertain significance. Review status: criteria provided, multiple submitters, no conflicts (2 of 4 stars). 2 submissions from 2 submitters: Uncertain significance (2). Last evaluated 2025-03-04.

Conditions:
Hereditary cancer-predisposing syndrome. Also called: Hereditary Cancer Syndrome; Tumor predisposition; Hereditary neoplastic syndrome; Neoplastic Syndromes, Hereditary. Identifiers: Orphanet 140162, MedGen C0027672, MeSH D009386, MONDO:0015356.

Submissions (2):

Center for Genomic Medicine, Rigshospitalet, Copenhagen University Hospital
Classification: Uncertain significance. Last evaluated: 2025-03-04. Review status: criteria provided, single submitter. Criteria: ACMG Guidelines, 2015. Collection method: clinical testing. Allele origin: germline.

Ambry Genetics
Classification: Uncertain significance for Hereditary cancer-predisposing syndrome. Last evaluated: 2024-12-10. Review status: criteria provided, single submitter. Criteria: Ambry Variant Classification Scheme 2023. Collection method: clinical testing. Allele origin: germline.
Comment: The p.I521M variant (also known as c.1563T>G), located in coding exon 9 of the DICER1 gene, results from a T to G substitution at nucleotide position 1563. The isoleucine at codon 521 is replaced by methionine, an amino acid with highly similar properties. This amino acid position is conserved. In addition, the in silico prediction for this alteration is inconclusive. Based on the available evidence, the clinical significance of this variant remains unclear.

NM_177438.3(DICER1):c.1563T>G (p.Ile521Met)

Gene: DICER1 (dicer 1, ribonuclease III; minus strand). Cytogenetic location: 14q32.13.
Variant type: single nucleotide variant.
Coding change: c.1563T>G on transcript NM_177438.3 (MANE Select); coding-DNA position 1563, T replaced by G.
Protein change: p.Ile521Met; replaces isoleucine 521 with methionine.
Molecular consequence: missense variant. On other transcripts: non-coding transcript variant (6), intron variant (1).
Genome position (GRCh38, 1-based): chr14:95,116,642, A>C on the plus strand (T>G on the coding strand, the complement: DICER1 is on the minus strand). VCF-style: chr14-95116642-A-C. GRCh37 (hg19) VCF-style: chr14-95582979-A-C.
Other names: c.1563T>G, p.Ile521Met (NM_001195573.1, NM_001271282.3, NM_001291628.2 and 12 more transcripts); c.1281T>G, p.Ile427Met (NM_001395686.1); c.1158T>G, p.Ile386Met (NM_001395687.1, NM_001395688.1, NM_001395689.1 and 3 more transcripts); c.996T>G, p.Ile332Met (NM_001395691.1); c.-59-62T>G (NM_001395697.1); short protein forms I332M, I386M, I427M, I521M.
Identifiers: ClinVar variation 3256285 (VCV003256285.3).
Genomic context (GRCh38, chr14:95,116,642, plus strand): 5'-TGTGGGCAAATCAAAACGAACCACCAAGTTGCATTTTGGTATATCAACACCCTCTTCTAC[A>C]ATACTTGTTGCAATAAGCAGGTTGGTCTCATGTGCTCGAAATTTCCTAAGTACCTGAAAA-3'
Protein context (NP_803187.1, residues 511-531): HETNLLIATS[Ile521Met]VEEGVDIPKC